The following is an entry in ClinVar:

ClinVar aggregate classification (germline): Conflicting classifications of pathogenicity. Review status: criteria provided, conflicting classifications (1 of 4 stars). 23 submissions from 22 submitters: Uncertain significance (5); Benign (2); Likely benign (10). 6 of the submissions do not count toward it. Last evaluated 2026-02-04.

Conditions:
APC-related disorder. Also called: APC-related condition.
Hereditary cancer. Identifiers: MedGen C1333600.
Colorectal cancer. Also called: Malignant Colorectal Neoplasm; Colorectal cancer, somatic. Identifiers: MedGen C0346629, MONDO:0005575, OMIM 114500.
Hereditary cancer-predisposing syndrome. Also called: Tumor predisposition; Hereditary neoplastic syndrome; Neoplastic Syndromes, Hereditary; Hereditary Cancer Syndrome. Identifiers: Orphanet 140162, MedGen C0027672, MeSH D009386, MONDO:0015356.
Familial adenomatous polyposis 1 (FAP1). Also called: FAMILIAL ADENOMATOUS POLYPOSIS 1, ATTENUATED; POLYPOSIS, ADENOMATOUS INTESTINAL. Identifiers: MedGen C2713442, MONDO:0021056, OMIM 175100. Disease mechanism: loss of function.
Carcinoma of colon (CRC). Also called: Colon carcinoma; Colonic carcinoma. Identifiers: MedGen C0699790, MONDO:0002032.

Allele frequency attached by ClinVar (database versions not stated): gnomAD 0.00006 and 0.00007; ESP Exome Variant Server 0.00008; TOPMed 0.00008; ExAC 0.00013.
gnomAD v4.1: 168 of 1,613,906 alleles (0.01%); highest among the groups gnomAD compares: Middle Eastern, 0.13%; no homozygotes.

Submissions 1 to 17 of 23:

Labcorp Genetics (formerly Invitae), Labcorp
Classification: Benign for Familial adenomatous polyposis 1. Last evaluated: 2026-02-04. Review status: criteria provided, single submitter. Criteria: Invitae Variant Classification Sherloc (09022015). Collection method: clinical testing. Allele origin: germline.

CeGaT Center for Human Genetics Tuebingen
Classification: Likely benign. Last evaluated: 2026-02-01. Review status: criteria provided, single submitter. Criteria: CeGaT Center For Human Genetics Tuebingen Variant Classification Criteria Version 2. Collection method: clinical testing. Allele origin: germline. Affected: yes. Observed: 7 variant alleles.
Comment: APC: BP1, BP4

Dasa
Classification: Likely benign. Last evaluated: 2026-01-28. Review status: criteria provided, single submitter. Criteria: DASA Assertion Criteria. Collection method: clinical testing. Allele origin: germline.
Comment: NM_000038.6(APC):c.7399C>A (p.Pro2467Thr) is a missense variant that results in the substitution of proline with threonine. Based on the available data, this variant is classified as likely benign.

Center for Genomic Medicine, Rigshospitalet, Copenhagen University Hospital
Classification: Likely benign. Last evaluated: 2025-12-29. Review status: criteria provided, single submitter. Criteria: ACMG Guidelines, 2015. Collection method: clinical testing. Allele origin: germline.
Comment: Classification criteria: BS1, BP1

Women's Health and Genetics/Laboratory Corporation of America, LabCorp
Classification: Likely benign. Last evaluated: 2025-01-28. Review status: criteria provided, single submitter. Criteria: LabCorp Variant Classification Summary - May 2015. Collection method: clinical testing. Allele origin: germline.
Comment: Variant summary: APC c.7399C>A (p.Pro2467Thr) results in a non-conservative amino acid change located in the Adenomatous polyposis coli protein basic domain (IPR009234) of the encoded protein sequence. Three of five in-silico tools predict a damaging effect of the variant on protein function. The variant allele was found at a frequency of 0.00013 in 252470 control chromosomes. The observed variant frequency is approximately 2-fold of the estimated maximal expected allele frequency for a pathogenic variant in APC causing Familial Adenomatous Polyposis phenotype (7.1e-05). c.7399C>A has been reported in the literature in individuals affected with Familial Adenomatous Polyposis, colorectal cancer, HBOC, ALL and Neuroblastoma (e.g. Azzopardi_2008, Kraus_2015, Yurgelun_2015, Zhang_2015, Tung_2016, Zidan_2017, Lorca_2019, Duz_2021, Lasorsa_2016, Guindalini_2022) but it was also detected in controls (e.g. Bodian_2014). These reports do not provide unequivocal conclusions about association of the variant with Familial Adenomatous Polyposis. Furthermore, the variant has been reported to co-occur with a presumably pathogenic APC-LOF variant and APC-LOH deletion in a colorectal cancer tumor-derived specimen. In this study, truncating APC mutations and/or LOH were detected in 75% of CRC's examined supporting a benign role for this variant in disease pathogenesis (Christie_2013). The following publications have been ascertained in the context of this evaluation (PMID: 18199528, 24728327, 23085758, 35264596, 25142776, 27009842, 31285513, 21859464, 36672847, 26976419, 25980754, 26580448, 28828701). ClinVar contains an entry for this variant (Variation ID: 127318). Based on the evidence outlined above, the variant was classified as likely benign.

Blueprint Genetics
Classification: Likely benign. Last evaluated: 2024-11-20. Review status: criteria provided, single submitter. Criteria: ACMG Guidelines, 2015. Collection method: clinical testing. Allele origin: germline.

Mendelics
Classification: Likely benign for Hereditary cancer. Last evaluated: 2024-09-11. Review status: criteria provided, single submitter. Criteria: ACMG Guidelines, 2015. Collection method: clinical testing. Allele origin: unknown.
Comment: This variant is considered likely benign or benign based on one or more of the following: it is predicted to be benign by multiple in silico algorithms, and/or has population frequency not consistent with disease, and/or has normal protein function, and/or has lack of segregation with disease, and/or has been detected in co-occurrence with known pathogenic variant, and/or has lack of disease association in case-control studies, and/or is located in a region inconsistent with a known cause of pathogenicity.

Color Diagnostics, LLC DBA Color Health
Classification: Benign for Hereditary cancer-predisposing syndrome. Last evaluated: 2024-04-15. Review status: criteria provided, single submitter. Criteria: ACMG Guidelines, 2015. Collection method: clinical testing. Allele origin: germline.

Institute for Biomarker Research, Medical Diagnostic Laboratories, L.L.C.
Classification: Uncertain significance for Hereditary cancer-predisposing syndrome. Last evaluated: 2023-10-24. Review status: criteria provided, single submitter. Criteria: ACMG Guidelines, 2015. Collection method: clinical testing. Allele origin: germline.

Sema4
Classification: Likely benign for Hereditary cancer-predisposing syndrome. Last evaluated: 2021-04-11. Review status: criteria provided, single submitter. Criteria: Sema4 Curation Guidelines. Collection method: curation. Allele origin: germline.

GeneDx
Classification: Likely benign. Last evaluated: 2020-12-01. Review status: criteria provided, single submitter. Criteria: GeneDx Variant Classification Process June 2021. Collection method: clinical testing. Allele origin: germline. Affected: yes.
Comment: This variant is associated with the following publications: (PMID: 23085758, 24728327, 18199528, 21859464, 25637381, 25980754, 26976419, 27050224, 28805986, 27882345, 28873162, 31285513)

Quest Diagnostics Nichols Institute San Juan Capistrano
Classification: Likely benign. Last evaluated: 2020-10-13. Review status: criteria provided, single submitter. Criteria: Quest Diagnostics criteria. Collection method: clinical testing. Allele origin: unknown.

Genetic Services Laboratory, University of Chicago
Classification: Uncertain significance. Last evaluated: 2020-04-16. Review status: criteria provided, single submitter. Criteria: ACMG Guidelines, 2015. Collection method: clinical testing. Allele origin: germline. Affected: no.
Comment: DNA sequence analysis of the APC gene demonstrated a sequence change, c.7399C>A, in exon 16 that results in an amino acid change, p.Pro2467Thr. This sequence change has been described in the gnomAD database with a frequency of 0.089% in the Ashkenazi Jewish sub-population (dbSNP rs372305287). The p.Pro2467Thr change has previously been reported, in addition to another heterozygous APC sequence change, c.5026A>G (p.Arg1676Gly), in an individual with FAP (PMID: 18199528). The p.Pro2467Thr change has also been reported in an individual reported to have 10-100 colorectal adenomas (PMID: 31285513). The p.Pro2467Thr change affects a highly conserved amino acid residue located in a domain of the APC protein that is known to be functional. The p.Pro2467Thr substitution appears to be deleterious using several in-silico pathogenicity prediction tools (SIFT, PolyPhen2, Align GVGD, REVEL). Due to the lack of functional studies, the clinical significance of the p.Pro2467Thr change remains unknown at this time.

Ambry Genetics
Classification: Likely benign for Hereditary cancer-predisposing syndrome. Last evaluated: 2018-06-26. Review status: criteria provided, single submitter. Criteria: Ambry Variant Classification Scheme 2023. Collection method: clinical testing. Allele origin: germline.

Laboratory for Molecular Medicine, Mass General Brigham Personalized Medicine
Classification: Uncertain significance. Last evaluated: 2016-11-18. Review status: criteria provided, single submitter. Criteria: LMM Criteria. Collection method: clinical testing. Allele origin: germline. Observed: 1 variant allele.
Comment: Variant classified as Uncertain Significance - Favor Benign.

CSER _CC_NCGL, University of Washington
Classification: Uncertain significance for Colorectal cancer. Last evaluated: 2016-06-01. Review status: criteria provided, single submitter. Criteria: Amendola et al. (Genome Res. 2015). Collection method: research. Allele origin: germline. Affected: yes. Study: CSER - NEXT Medicine variant annotation.
Comment: This interpretation considers GERP score and allele frequency data, in addition to published reports of the variant in the literature, available at the time of review.

Genomic Diagnostic Laboratory, Division of Genomic Diagnostics, Children's Hospital of Philadelphia
Classification: Uncertain significance. Last evaluated: 2015-06-19. Review status: criteria provided, single submitter. Criteria: DGD Variant Analysis Guidelines. Collection method: clinical testing. Allele origin: unknown.

NM_000038.6(APC):c.7399C>A (p.Pro2467Thr)

Gene: APC (APC regulator of Wnt signaling pathway; plus strand). Cytogenetic location: 5q22.2.
Variant type: single nucleotide variant.
Coding change: c.7399C>A on transcript NM_000038.6 (MANE Select); coding-DNA position 7399, C replaced by A.
Protein change: p.Pro2467Thr; replaces proline 2467 with threonine.
Molecular consequence: missense variant.
Genome position (GRCh38, 1-based): chr5:112,842,993, C>A. VCF-style: chr5-112842993-C-A. GRCh37 (hg19) VCF-style: chr5-112178690-C-A.
Other names: p.P2467T:CCA>ACA; c.7399C>A, p.Pro2467Thr (NM_001127510.3, NM_001354895.2); c.7345C>A, p.Pro2449Thr (NM_001127511.3); c.7453C>A, p.Pro2485Thr (NM_001354896.2); c.7429C>A, p.Pro2477Thr (NM_001354897.2); c.7324C>A, p.Pro2442Thr (NM_001354898.2); c.7315C>A, p.Pro2439Thr (NM_001354899.2); c.7276C>A, p.Pro2426Thr (NM_001354900.2); and 6 more; short protein forms P2467T, P2449T, P2184T, P2341T, P2376T, P2408T, P2439T, P2307T.
Identifiers: ClinVar variation 127318 (VCV000127318.82), dbSNP rs372305287, ClinGen allele CA013653.